The following is an entry in ClinVar:

ClinVar aggregate classification (germline): Conflicting classifications of pathogenicity. Review status: criteria provided, conflicting classifications (1 of 4 stars). 4 submissions from 4 submitters: Uncertain significance (1); Likely benign (2). 1 of the submissions does not count toward it. Last evaluated 2026-01-04.

Conditions:
Smith-Magenis syndrome (SMS). Also called: CHROMOSOME 17p11.2 DELETION SYNDROME. Identifiers: Orphanet 819, MedGen C0795864, MONDO:0008434, OMIM 182290.
RAI1-related disorder. Also called: RAI1-related condition.
Inborn genetic diseases. Identifiers: MedGen C0950123, MeSH D030342.

Submissions (4):

Labcorp Genetics (formerly Invitae), Labcorp
Classification: Likely benign. Last evaluated: 2026-01-04. Review status: criteria provided, single submitter. Criteria: Invitae Variant Classification Sherloc (09022015). Collection method: clinical testing. Allele origin: germline.

Ambry Genetics
Classification: Likely benign for Inborn genetic diseases. Last evaluated: 2025-02-20. Review status: criteria provided, single submitter. Criteria: Ambry Variant Classification Scheme 2023. Collection method: clinical testing. Allele origin: germline.

Fulgent Genetics
Classification: Uncertain significance for Smith-Magenis syndrome. Last evaluated: 2024-06-20. Review status: criteria provided, single submitter. Criteria: ACMG Guidelines, 2015. Collection method: clinical testing. Allele origin: germline.

PreventionGenetics, part of Exact Sciences
Classification: Uncertain significance for RAI1-related condition. Last evaluated: 2024-02-06. Review status: no assertion criteria provided. Collection method: clinical testing. Allele origin: germline. Not counted in ClinVar's aggregate classification.
Comment: The RAI1 c.3746_3748dupGCA variant is predicted to result in an in-frame duplication (p.Ser1249dup). To our knowledge, this variant has not been reported in the literature. This variant is reported in 0.012% of alleles in individuals of African descent in gnomAD, including representation in the non-neuro and control populations. Although we suspect this variant may be benign, at this time, the clinical significance is uncertain due to the absence of conclusive functional and genetic evidence.

NM_030665.4(RAI1):c.3731GCA[7] (p.Ser1249dup)

Gene: RAI1 (retinoic acid induced 1; plus strand). Cytogenetic location: 17p11.2.
Variant type: Microsatellite.
Coding change: c.3731GCA[7] on transcript NM_030665.4 (MANE Select); seven copies in a row of the 3-base unit GCA starting at c.3731; the reference has six copies in a row; one copy, 3 bases duplicated; also written c.3746_3748dup.
Protein change: p.Ser1249dup; duplicates serine 1249.
Molecular consequence: inframe insertion.
Genome position (GRCh38, 1-based): chr17:17,796,694-17,796,696, GCA duplicated; duplicating any 3 consecutive bases within chr17:17,796,679-17,796,696 gives the same sequence; the position shown is the placement nearest the transcript's 3' end. VCF-style (leftmost placement, unchanged base first): chr17-17796678-C-CGCA. GRCh37 (hg19) VCF-style: chr17-17699992-C-CGCA.
Other names: c.3746_3748dup (NM_030665.4).
Identifiers: ClinVar variation 1512230 (VCV001512230.12), dbSNP rs760919336, ClinGen allele CA8418804.